The following is an entry in ClinVar:

NM_004484.4(GPC3):c.79CCG[4] (p.Pro31del)

Gene: GPC3 (glypican 3; minus strand). Cytogenetic location: Xq26.2.
Variant type: Microsatellite.
Coding change: c.79CCG[4] on transcript NM_004484.4 (MANE Select); four copies in a row of the 3-base unit CCG starting at c.79; the reference has five copies in a row; one copy, 3 bases deleted.
Protein change: p.Pro31del; deletes proline 31.
Molecular consequence: inframe deletion. On other transcripts: inframe indel (2).
Genome position (GRCh38, 1-based): chrX:133,985,357-133,985,359, CGG deleted on the plus strand (CCG on the coding strand, the reverse complement: GPC3 is on the minus strand); deleting any 3 consecutive bases within chrX:133,985,357-133,985,371 gives the same sequence; the position shown is the placement nearest the transcript's 3' end. VCF-style (leftmost placement, unchanged base first): chrX-133985356-CCGG-C. GRCh37 (hg19) VCF-style: chrX-133119383-CCGG-C.
Other names: c.91_93delCCG (NM_004484.3); c.79CCG[4], p.Pro31del (NM_001164617.2, NM_001164618.2, NM_001164619.2); c.79_81CCG[4], p.Pro31del (NM_004484.3); short protein forms P31del.
Identifiers: ClinVar variation 2347311 (VCV002347311.5), dbSNP rs749104500, ClinGen allele CA10520888.

ClinVar aggregate classification (germline): Conflicting classifications of pathogenicity. Review status: criteria provided, conflicting classifications (1 of 4 stars). 2 submissions from 2 submitters: Uncertain significance (1); Likely benign (1). Last evaluated 2023-01-24.

Conditions:
Inborn genetic diseases. Identifiers: MedGen C0950123, MeSH D030342.
Wilms tumor 1 (WT1). Also called: Wilms tumor, somatic. Identifiers: Orphanet 654, MedGen CN033288, MONDO:0008679, OMIM 194070.

Submissions (2):

Labcorp Genetics (formerly Invitae), Labcorp
Classification: Uncertain significance for Wilms tumor 1. Last evaluated: 2023-01-24. Review status: criteria provided, single submitter. Criteria: Invitae Variant Classification Sherloc (09022015). Collection method: clinical testing. Allele origin: germline.
Comment: In summary, the available evidence is currently insufficient to determine the role of this variant in disease. Therefore, it has been classified as a Variant of Uncertain Significance. Experimental studies and prediction algorithms are not available or were not evaluated, and the functional significance of this variant is currently unknown. This variant has not been reported in the literature in individuals affected with GPC3-related conditions. The frequency data for this variant in the population databases is considered unreliable, as metrics indicate poor data quality at this position in the gnomAD database. This variant, c.91_93del, results in the deletion of 1 amino acid(s) of the GPC3 protein (p.Pro31del), but otherwise preserves the integrity of the reading frame.

Ambry Genetics
Classification: Likely benign for Inborn genetic diseases. Last evaluated: 2022-02-25. Review status: criteria provided, single submitter. Criteria: Ambry Variant Classification Scheme 2023. Collection method: clinical testing. Allele origin: germline.